The following is an entry in ClinVar:

NC_000016.10:g.(?_23603458)_(23603669_?)del

Gene: PALB2 (partner and localizer of BRCA2; minus strand). Cytogenetic location: 16p12.2.
Variant type: Deletion.
Other names: c.3351-?_(*1_?)del (LRG_308t1).
Identifiers: ClinVar variation 188372 (VCV000188372.2).

ClinVar aggregate classification (germline): Pathogenic (1 of 4 stars; one submission).

Conditions:
Familial cancer of breast. Also called: hereditary breast carcinoma; BREAST CANCER, FAMILIAL; Hereditary breast cancer. Identifiers: Orphanet 227535, MedGen C0346153, MONDO:0016419, OMIM 114480. Disease mechanism: loss of function.

Submission:

Labcorp Genetics (formerly Invitae), Labcorp
Classification: Pathogenic for Familial cancer of breast. Last evaluated: 2015-05-17. Review status: criteria provided, single submitter. Criteria: Invitae Variant Classification Sherloc (09022015). Collection method: clinical testing. Allele origin: germline.
Comment: This sequence change is a gross deletion of the genomic region encompassing exon 13 of the PALB2 gene. This deletion extends to the edge of the assayed region and the 3' boundary of this event is not known. Truncating gross deletions in PALB2 are known to be pathogenic. A similar deletion has been reported in the literature in an individual with breast cancer (PMID: 25099575). Exon 13 encodes two WD40-like repeat motifs in the PALB2 (partner and localizer of BRCA2) gene. WD40 motifs are required for interaction with the BRCA2 protein (PMID: 16793542, 25099575). This exonic deletion is likely to truncate the PALB2 protein and abolish its DNA repair function. For these reasons, this sequence change has been classified as Pathogenic.